The following is an entry in ClinVar:

NM_005585.5(SMAD6):c.613del (p.Cys205fs)

Gene: SMAD6 (SMAD family member 6; plus strand). Cytogenetic location: 15q22.31.
Variant type: Deletion.
Coding change: c.613del on transcript NM_005585.5 (MANE Select); coding-DNA position 613, one base deleted (T; older notation c.613delT).
Protein change: p.Cys205fs; shifts the reading frame from cysteine 205.
Molecular consequence: frameshift variant. On other transcripts: non-coding transcript variant (1).
Genome position (GRCh38, 1-based): chr15:66,703,871, T deleted. VCF-style (leftmost placement, unchanged base first): chr15-66703870-CT-C. GRCh37 (hg19) VCF-style: chr15-66996208-CT-C.
Other names: c.613del (NM_005585.4); short protein forms C205fs.
Identifiers: ClinVar variation 2162160 (VCV002162160.5), dbSNP rs1011464295, ClinGen allele CA271683230.

ClinVar aggregate classification (germline): Conflicting classifications of pathogenicity. Review status: criteria provided, conflicting classifications (1 of 4 stars). 2 submissions from 2 submitters: Likely pathogenic (1); Uncertain significance (1). Last evaluated 2024-12-17.

Conditions:
Aortic valve disease 2 (AOVD2). Identifiers: MedGen C3542024, MONDO:0013902, OMIM 614823.

Allele frequency attached by ClinVar (database versions not stated): gnomAD 0.00001; TOPMed 0.00002.

Submissions (2):

GeneDx
Classification: Likely pathogenic. Last evaluated: 2024-12-17. Review status: criteria provided, single submitter. Criteria: GeneDx Variant Classification Process June 2021. Collection method: clinical testing. Allele origin: germline. Affected: yes.
Comment: Frameshift variant predicted to result in protein truncation or nonsense mediated decay in a gene for which loss of function is a known mechanism of disease; Not observed at significant frequency in large population cohorts (gnomAD); Has not been previously published as pathogenic or benign to our knowledge

Labcorp Genetics (formerly Invitae), Labcorp
Classification: Uncertain significance for Aortic valve disease 2. Last evaluated: 2023-12-13. Review status: criteria provided, single submitter. Criteria: Invitae Variant Classification Sherloc (09022015). Collection method: clinical testing. Allele origin: germline.
Comment: This sequence change creates a premature translational stop signal (p.Cys205Alafs*37) in the SMAD6 gene. It is expected to result in an absent or disrupted protein product. However, the current clinical and genetic evidence is not sufficient to establish whether loss-of-function variants in SMAD6 cause disease. This variant is not present in population databases (gnomAD no frequency). This variant has not been reported in the literature in individuals affected with SMAD6-related conditions. ClinVar contains an entry for this variant (Variation ID: 2162160). In summary, the available evidence is currently insufficient to determine the role of this variant in disease. Therefore, it has been classified as a Variant of Uncertain Significance.